The following is an entry in ClinVar:

ClinVar aggregate classification (germline): Uncertain significance. Review status: criteria provided, multiple submitters, no conflicts (2 of 4 stars). 2 submissions from 2 submitters: Uncertain significance (2). Last evaluated 2022-12-19.

Conditions:
Inborn genetic diseases. Identifiers: MedGen C0950123, MeSH D030342.

Allele frequency attached by ClinVar (database versions not stated): TOPMed 0.00001.

Submissions (2):

Ambry Genetics
Classification: Uncertain significance for Inborn genetic diseases. Last evaluated: 2022-12-19. Review status: criteria provided, single submitter. Criteria: Ambry Variant Classification Scheme 2023. Collection method: clinical testing. Allele origin: germline.

Labcorp Genetics (formerly Invitae), Labcorp
Classification: Uncertain significance. Last evaluated: 2020-01-16. Review status: criteria provided, single submitter. Criteria: Invitae Variant Classification Sherloc (09022015). Collection method: clinical testing. Allele origin: germline.
Comment: This sequence change replaces arginine with cysteine at codon 404 of the ZNF408 protein (p.Arg404Cys). The arginine residue is highly conserved and there is a large physicochemical difference between arginine and cysteine. This variant is not present in population databases (ExAC no frequency). This variant has not been reported in the literature in individuals with ZNF408-related conditions. Algorithms developed to predict the effect of missense changes on protein structure and function (SIFT, PolyPhen-2, Align-GVGD) all suggest that this variant is likely to be disruptive, but these predictions have not been confirmed by published functional studies and their clinical significance is uncertain. In summary, the available evidence is currently insufficient to determine the role of this variant in disease. Therefore, it has been classified as a Variant of Uncertain Significance.

NM_024741.3(ZNF408):c.1210C>T (p.Arg404Cys)

Gene: ZNF408 (zinc finger protein 408; plus strand). Cytogenetic location: 11p11.2.
Variant type: single nucleotide variant.
Coding change: c.1210C>T on transcript NM_024741.3 (MANE Select); coding-DNA position 1210, C replaced by T.
Protein change: p.Arg404Cys; replaces arginine 404 with cysteine.
Molecular consequence: missense variant.
Genome position (GRCh38, 1-based): chr11:46,704,910, C>T. VCF-style: chr11-46704910-C-T. GRCh37 (hg19) VCF-style: chr11-46726460-C-T.
Other names: c.1210C>T (NM_024741.2); c.1186C>T, p.Arg396Cys (NM_001184751.2); short protein forms R404C, R396C.
Identifiers: ClinVar variation 1035482 (VCV001035482.11), dbSNP rs1231985813, ClinGen allele CA380255298.